The following is an entry in ClinVar:

ClinVar aggregate classification (germline): Likely benign (1 of 4 stars; one submission).

Conditions:
Hypertrophic cardiomyopathy. Also called: HYPERTROPHIC MYOCARDIOPATHY. Identifiers: Orphanet 217569, MedGen C0007194, MeSH D002312, MONDO:0005045, HP:0001639.

Allele frequency attached by ClinVar (database versions not stated): gnomAD exomes below 0.00001.
gnomAD v4.1: 2 of 1,613,892 alleles (0.00012%); highest among the groups gnomAD compares: South Asian, 0.0011%; no homozygotes.

Submission:

All of Us Research Program, National Institutes of Health
Classification: Likely benign for Hypertrophic cardiomyopathy. Last evaluated: 2023-09-17. Review status: criteria provided, single submitter. Criteria: ACMG Guidelines, 2015. Collection method: clinical testing. Allele origin: germline. Inheritance: Autosomal dominant inheritance. Observed: 2 variant alleles, 2 heterozygotes.
Comment: This study involves interpretation of variants in research participants for the purpose of population health screening. Participant phenotype was not available at the time of variant classification. Additional details can be found in publication PMID: 35346344, PMCID: PMC8962531

NM_000258.3(MYL3):c.158-14C>T

Gene: MYL3 (myosin light chain 3; minus strand). Cytogenetic location: 3p21.31.
Variant type: single nucleotide variant.
Coding change: c.158-14C>T on transcript NM_000258.3 (MANE Select); 14 bases into the intron before coding-DNA position 158, C replaced by T.
Molecular consequence: intron variant.
Genome position (GRCh38, 1-based): chr3:46,860,839, G>A on the plus strand (C>T on the coding strand, the complement: MYL3 is on the minus strand). VCF-style: chr3-46860839-G-A. GRCh37 (hg19) VCF-style: chr3-46902329-G-A.
Other names: c.158-14C>T (NM_001406939.1, NM_001406938.1, NM_001406937.1); c.-17-14C>T (NM_001406940.1, NM_001406941.1).
Identifiers: ClinVar variation 3072125 (VCV003072125.1), dbSNP rs1427057356, ClinGen allele CA907611254.